The following is an entry in ClinVar:

ClinVar aggregate classification (germline): Uncertain significance (1 of 4 stars; one submission).

gnomAD v4.1: 3 of 1,614,206 alleles (0.00019%); highest among the groups gnomAD compares: Non-Finnish European, 0.000085%; no homozygotes.

Submission:

Labcorp Genetics (formerly Invitae), Labcorp
Classification: Uncertain significance. Last evaluated: 2024-08-05. Review status: criteria provided, single submitter. Criteria: Invitae Variant Classification Sherloc (09022015). Collection method: clinical testing. Allele origin: germline.
Comment: This sequence change replaces glutamic acid, which is acidic and polar, with aspartic acid, which is acidic and polar, at codon 252 of the LBR protein (p.Glu252Asp). This variant is present in population databases (no rsID available, gnomAD no frequency). This variant has not been reported in the literature in individuals affected with LBR-related conditions. Advanced modeling of protein sequence and biophysical properties (such as structural, functional, and spatial information, amino acid conservation, physicochemical variation, residue mobility, and thermodynamic stability) performed at Invitae indicates that this missense variant is not expected to disrupt LBR protein function with a negative predictive value of 80%. In summary, the available evidence is currently insufficient to determine the role of this variant in disease. Therefore, it has been classified as a Variant of Uncertain Significance.

NM_002296.4(LBR):c.756G>T (p.Glu252Asp)

Gene: LBR (lamin B receptor; minus strand). Cytogenetic location: 1q42.12.
Variant type: single nucleotide variant.
Coding change: c.756G>T on transcript NM_002296.4 (MANE Select); coding-DNA position 756, G replaced by T.
Protein change: p.Glu252Asp; replaces glutamic acid 252 with aspartic acid.
Molecular consequence: missense variant.
Genome position (GRCh38, 1-based): chr1:225,418,065, C>A on the plus strand (G>T on the coding strand, the complement: LBR is on the minus strand). VCF-style: chr1-225418065-C-A. GRCh37 (hg19) VCF-style: chr1-225605767-C-A.
Other names: c.756G>T, p.Glu252Asp (NM_194442.3); short protein forms E252D.
Identifiers: ClinVar variation 3628950 (VCV003628950.2).